The following is an entry in ClinVar:

NM_024312.5(GNPTAB):c.203+447T>A

Gene: GNPTAB (N-acetylglucosamine-1-phosphate transferase subunits alpha and beta; minus strand). Cytogenetic location: 12q23.2.
Variant type: single nucleotide variant.
Coding change: c.203+447T>A on transcript NM_024312.5 (MANE Select); 447 bases into the intron after coding-DNA position 203, T replaced by A.
Molecular consequence: intron variant.
Genome position (GRCh38, 1-based): chr12:101,796,230, A>T on the plus strand (T>A on the coding strand, the complement: GNPTAB is on the minus strand). VCF-style: chr12-101796230-A-T. GRCh37 (hg19) VCF-style: chr12-102190008-A-T.
Identifiers: ClinVar variation 5005022 (VCV005005022.2).
Genomic context (GRCh38, chr12:101,796,230, plus strand): 5'-ACAGAATTCCGGCCAGGGCTCAGAAACCGCTGTGTAGTAGCCACCTGGTTTCCTCATCCT[A>T]CAGGGGGATGAAATTCCCTTTACCTCACAGACCTGGGGAGACAGAAAATGCAATCATGCA-3'

ClinVar aggregate classification (germline): Uncertain significance (1 of 4 stars; one submission).

Conditions:
Mucolipidosis type II. Also called: Mucolipidosis II Alpha/Beta; Mucolipidosis 2; ML 2; Inclusion cell disease; Leroy Disease; N-acetylglucosamine 1phosphotransferase deficiency. Identifiers: Orphanet 576, MedGen C2673377, MONDO:0009650, OMIM 252500.
Pseudo-Hurler polydystrophy. Also called: MUCOLIPIDOSIS IIIA; Type III Mucolipidosis; ML III; ML III ALPHA/BETA; ML IIIA; Mucolipidosis III Alpha/Beta. Identifiers: Orphanet 423461, Orphanet 577, MedGen C0033788, MONDO:0018931, OMIM 252600.

gnomAD v4.1: 11 of 702,478 alleles (0.0016%); highest among the groups gnomAD compares: East Asian, 0.027%; no homozygotes.

Submission:

Juno Genomics, Hangzhou Juno Genomics, Inc
Classification: Uncertain significance for Mucolipidosis type II; Pseudo-Hurler polydystrophy. Review status: criteria provided, single submitter. Criteria: ACMG Guidelines, 2015. Collection method: clinical testing. Allele origin: germline.
Comment: Absent from controls (or at extremely low frequency if recessive) in Genome Aggregation Database.;Multiple lines of computational evidence support a deleterious effect on the gene or gene product.